The following is an entry in ClinVar:

NM_032447.5(FBN3):c.8156G>A (p.Arg2719Gln)

Gene: FBN3 (fibrillin 3; minus strand). Cytogenetic location: 19p13.2.
Variant type: single nucleotide variant.
Coding change: c.8156G>A on transcript NM_032447.5 (MANE Select); coding-DNA position 8156, G replaced by A.
Protein change: p.Arg2719Gln; replaces arginine 2719 with glutamine.
Molecular consequence: missense variant.
Genome position (GRCh38, 1-based): chr19:8,066,193, C>T on the plus strand (G>A on the coding strand, the complement: FBN3 is on the minus strand). VCF-style: chr19-8066193-C-T. GRCh37 (hg19) VCF-style: chr19-8131077-C-T.
Other names: c.8156G>A, p.Arg2719Gln (NM_001321431.2); c.8156G>A (NM_032447.3); short protein forms R2719Q.
Identifiers: ClinVar variation 2715582 (VCV002715582.4), dbSNP rs144078033, ClinGen allele CA9150622.

ClinVar aggregate classification (germline): Conflicting classifications of pathogenicity. Review status: criteria provided, conflicting classifications (1 of 4 stars). 2 submissions from 2 submitters: Uncertain significance (1); Likely benign (1). Last evaluated 2025-08-01.

Allele frequency attached by ClinVar (database versions not stated): gnomAD 0.00020; ESP Exome Variant Server 0.00031.
gnomAD v4.1: 82 of 1,610,722 alleles (0.0051%); highest among the groups gnomAD compares: African/African-American, 0.069%; no homozygotes.

Submissions (2):

Ambry Genetics
Classification: Likely benign. Last evaluated: 2025-08-01. Review status: criteria provided, single submitter. Criteria: Ambry Variant Classification Scheme 2023. Collection method: clinical testing. Allele origin: germline.

Labcorp Genetics (formerly Invitae), Labcorp
Classification: Uncertain significance. Last evaluated: 2023-04-06. Review status: criteria provided, single submitter. Criteria: Invitae Variant Classification Sherloc (09022015). Collection method: clinical testing. Allele origin: germline.
Comment: This variant has not been reported in the literature in individuals affected with FBN3-related conditions. This variant is present in population databases (rs144078033, gnomAD 0.07%), and has an allele count higher than expected for a pathogenic variant. This sequence change replaces arginine, which is basic and polar, with glutamine, which is neutral and polar, at codon 2719 of the FBN3 protein (p.Arg2719Gln). Advanced modeling of protein sequence and biophysical properties (such as structural, functional, and spatial information, amino acid conservation, physicochemical variation, residue mobility, and thermodynamic stability) performed at Invitae indicates that this missense variant is not expected to disrupt FBN3 protein function. In summary, the available evidence is currently insufficient to determine the role of this variant in disease. Therefore, it has been classified as a Variant of Uncertain Significance.